The following is an entry in ClinVar:

ClinVar aggregate classification (germline): Likely benign (1 of 4 stars; one submission).

Submission:

CeGaT Center for Human Genetics Tuebingen
Classification: Likely benign. Last evaluated: 2023-11-01. Review status: criteria provided, single submitter. Criteria: CeGaT Center For Human Genetics Tuebingen Variant Classification Criteria Version 2. Collection method: clinical testing. Allele origin: germline. Affected: yes. Observed: 1 variant allele.
Comment: GP1BA: PM2:Supporting, BP4, BP7

NM_000173.7(GP1BA):c.321C>T (p.Ser107=)

Gene: GP1BA (glycoprotein Ib platelet subunit alpha; plus strand). Cytogenetic location: 17p13.2.
Variant type: single nucleotide variant.
Coding change: c.321C>T on transcript NM_000173.7 (MANE Select); coding-DNA position 321, C replaced by T.
Protein change: p.Ser107=; no amino-acid change (serine 107 retained).
Molecular consequence: synonymous variant.
Genome position (GRCh38, 1-based): chr17:4,932,925, C>T. VCF-style: chr17-4932925-C-T. GRCh37 (hg19) VCF-style: chr17-4836220-C-T.
Identifiers: ClinVar variation 2672677 (VCV002672677.23), dbSNP rs776888187, ClinGen allele CA497677617.